The following is an entry in ClinVar:

ClinVar aggregate classification (germline): Likely benign (1 of 4 stars; one submission).

Allele frequency attached by ClinVar (database versions not stated): gnomAD exomes below 0.00001.

Submission:

GeneDx
Classification: Likely benign. Last evaluated: 2022-08-25. Review status: criteria provided, single submitter. Criteria: GeneDx Variant Classification Process June 2021. Collection method: clinical testing. Allele origin: germline. Affected: yes.
Comment: Not observed at significant frequency in large population cohorts (gnomAD); Has not been previously published as pathogenic or benign to our knowledge

NM_030662.4(MAP2K2):c.1047-2dup

Gene: MAP2K2 (mitogen-activated protein kinase kinase 2; minus strand). Cytogenetic location: 19p13.3.
Variant type: Duplication.
Coding change: c.1047-2dup on transcript NM_030662.4 (MANE Select); the canonical splice acceptor site of the intron before coding-DNA position 1047, one base duplicated (A; older notation c.1047-2dupA).
Molecular consequence: splice acceptor variant.
Genome position (GRCh38, 1-based): chr19:4,094,500, T duplicated on the plus strand (A on the coding strand, the reverse complement: MAP2K2 is on the minus strand). VCF-style (leftmost placement, unchanged base first): chr19-4094499-C-CT. GRCh37 (hg19) VCF-style: chr19-4094497-C-CT.
Other names: c.1047-2dupA (NM_030662.3).
Identifiers: ClinVar variation 422278 (VCV000422278.3), dbSNP rs1555696233, ClinGen allele CA16620847.